The following is an entry in ClinVar:

NM_198506.5(LRIT3):c.469T>C (p.Tyr157His)

Gene: LRIT3 (leucine rich repeat, Ig-like and transmembrane domains 3; plus strand). Cytogenetic location: 4q25.
Variant type: single nucleotide variant.
Coding change: c.469T>C on transcript NM_198506.5 (MANE Select); coding-DNA position 469, T replaced by C.
Protein change: p.Tyr157His; replaces tyrosine 157 with histidine.
Molecular consequence: missense variant.
Genome position (GRCh38, 1-based): chr4:109,851,856, T>C. VCF-style: chr4-109851856-T-C. GRCh37 (hg19) VCF-style: chr4-110773012-T-C.
Other names: short protein forms Y157H.
Identifiers: ClinVar variation 1380118 (VCV001380118.8), dbSNP rs2125897255, ClinGen allele CA357872126.

ClinVar aggregate classification (germline): Uncertain significance (1 of 4 stars; one submission).

Allele frequency attached by ClinVar (database versions not stated): gnomAD exomes below 0.00001.
gnomAD v4.1: 1 of 1,551,654 alleles (0.000064%); highest among the groups gnomAD compares: East Asian, 0.0024%; no homozygotes.

Submission:

Labcorp Genetics (formerly Invitae), Labcorp
Classification: Uncertain significance. Last evaluated: 2023-04-24. Review status: criteria provided, single submitter. Criteria: Invitae Variant Classification Sherloc (09022015). Collection method: clinical testing. Allele origin: germline.
Comment: In summary, the available evidence is currently insufficient to determine the role of this variant in disease. Therefore, it has been classified as a Variant of Uncertain Significance. An algorithm developed to predict the effect of missense changes on protein structure and function (PolyPhen-2) suggests that this variant is likely to be disruptive. ClinVar contains an entry for this variant (Variation ID: 1380118). This variant has not been reported in the literature in individuals affected with LRIT3-related conditions. This variant is not present in population databases (gnomAD no frequency). This sequence change replaces tyrosine, which is neutral and polar, with histidine, which is basic and polar, at codon 157 of the LRIT3 protein (p.Tyr157His).